The following is an entry in ClinVar:

NM_007078.3(LDB3):c.1979-174T>G

Gene: LDB3 (LIM domain binding 3; plus strand). Cytogenetic location: 10q23.2.
Variant type: single nucleotide variant.
Coding change: c.1979-174T>G on transcript NM_007078.3 (MANE Select); 174 bases into the intron before coding-DNA position 1979, T replaced by G.
Molecular consequence: intron variant.
Genome position (GRCh38, 1-based): chr10:86,725,963, T>G. VCF-style: chr10-86725963-T-G. GRCh37 (hg19) VCF-style: chr10-88485720-T-G.
Other names: c.1790-174T>G (NM_001368064.1, NM_001368065.1); c.1994-174T>G (NM_001171610.2); c.1838-174T>G (NM_001368066.1); c.1649-174T>G (NM_001080114.2).
Identifiers: ClinVar variation 672750 (VCV000672750.1), dbSNP rs7092188, ClinGen allele CA15659188.

ClinVar aggregate classification (germline): Benign (1 of 4 stars; one submission).

Allele frequency attached by ClinVar (database versions not stated): gnomAD 0.06955 and 0.07338; 1000 Genomes Project 0.06969; 1000 Genomes Project 30x 0.07761; TOPMed 0.07791.
gnomAD v4.1: 10,502 of 152,158 alleles (6.9%); highest among the groups gnomAD compares: African/African-American, 21%; 1,007 homozygotes.

Submission:

GeneDx
Classification: Benign. Last evaluated: 2018-06-14. Review status: criteria provided, single submitter. Criteria: GeneDx Variant Classification (06012015). Collection method: clinical testing. Allele origin: germline. Affected: yes.
Comment: This variant is considered likely benign or benign based on one or more of the following criteria: it is a conservative change, it occurs at a poorly conserved position in the protein, it is predicted to be benign by multiple in silico algorithms, and/or has population frequency not consistent with disease.